The following is an entry in ClinVar:

ClinVar aggregate classification (germline): Uncertain significance (1 of 4 stars; one submission).

Conditions:
Cardiovascular phenotype. Identifiers: MedGen CN230736.

Submission:

Ambry Genetics
Classification: Uncertain significance for Cardiovascular phenotype. Last evaluated: 2025-12-21. Review status: criteria provided, single submitter. Criteria: Ambry Variant Classification Scheme 2023. Collection method: clinical testing. Allele origin: germline.
Comment: The p.S69F variant (also known as c.206C>T), located in coding exon 1 of the GATAD1 gene, results from a C to T substitution at nucleotide position 206. The serine at codon 69 is replaced by phenylalanine, an amino acid with highly dissimilar properties. This amino acid position is highly conserved in available vertebrate species. In addition, the in silico prediction for this alteration is inconclusive. Since supporting evidence is limited at this time, the clinical significance of this alteration remains unclear.

NM_021167.5(GATAD1):c.206C>T (p.Ser69Phe)

Genes: GATAD1 (GATA zinc finger domain containing 1; plus strand), LOC129998793 (ATAC-STARR-seq lymphoblastoid silent region 18371; plus strand). Cytogenetic location: 7q21.2.
Variant type: single nucleotide variant.
Coding change: c.206C>T on transcript NM_021167.5 (MANE Select); coding-DNA position 206, C replaced by T.
Protein change: p.Ser69Phe; replaces serine 69 with phenylalanine.
Molecular consequence: missense variant. On other transcripts: non-coding transcript variant (1).
Genome position (GRCh38, 1-based): chr7:92,447,935, C>T. VCF-style: chr7-92447935-C-T. GRCh37 (hg19) VCF-style: chr7-92077249-C-T.
Other names: short protein forms S69F.
Identifiers: ClinVar variation 1785351 (VCV001785351.3), dbSNP rs1789228260, ClinGen allele CA368155724.